The following is an entry in ClinVar:

NM_015662.3(IFT172):c.4760T>C (p.Val1587Ala)

Genes: IFT172 (intraflagellar transport 172; minus strand), KRTCAP3 (keratinocyte associated protein 3; plus strand). Cytogenetic location: 2p23.3.
Variant type: single nucleotide variant.
Coding change: c.4760T>C on transcript NM_015662.3 (MANE Select); coding-DNA position 4760, T replaced by C.
Protein change: p.Val1587Ala; replaces valine 1587 with alanine.
Molecular consequence: missense variant. On other transcripts: intron variant (1).
Genome position (GRCh38, 1-based): chr2:27,445,984, A>G on the plus strand (T>C on the coding strand, the complement: IFT172 is on the minus strand). VCF-style: chr2-27445984-A-G. GRCh37 (hg19) VCF-style: chr2-27668851-A-G.
Other names: c.4694T>C, p.Val1565Ala (NM_001410739.1); c.*6-317A>G (NM_001168364.2); short protein forms V1587A, V1565A.
Identifiers: ClinVar variation 1384703 (VCV001384703.9), dbSNP rs1483735124, ClinGen allele CA346415222.

ClinVar aggregate classification (germline): Uncertain significance (1 of 4 stars; one submission).

Conditions:
Short-rib thoracic dysplasia 10 with or without polydactyly (SRTD10). Identifiers: Orphanet 474, MedGen C3810175, MONDO:0014284, OMIM 615630.
Retinitis pigmentosa 71 (RP71). Identifiers: Orphanet 791, MedGen C4225342, MONDO:0014618, OMIM 616394.

Allele frequency attached by ClinVar (database versions not stated): gnomAD exomes below 0.00001.
gnomAD v4.1: 2 of 1,614,236 alleles (0.00012%); highest among the groups gnomAD compares: South Asian, 0.0011%; no homozygotes.

Submission:

Labcorp Genetics (formerly Invitae), Labcorp
Classification: Uncertain significance for Retinitis pigmentosa 71; Short-rib thoracic dysplasia 10 with or without polydactyly. Last evaluated: 2021-06-19. Review status: criteria provided, single submitter. Criteria: Invitae Variant Classification Sherloc (09022015). Collection method: clinical testing. Allele origin: germline.
Comment: In summary, the available evidence is currently insufficient to determine the role of this variant in disease. Therefore, it has been classified as a Variant of Uncertain Significance. Algorithms developed to predict the effect of missense changes on protein structure and function (SIFT, PolyPhen-2, Align-GVGD) all suggest that this variant is likely to be tolerated, but these predictions have not been confirmed by published functional studies and their clinical significance is uncertain. This variant has not been reported in the literature in individuals with IFT172-related conditions. This variant is not present in population databases (ExAC no frequency). This sequence change replaces valine with alanine at codon 1587 of the IFT172 protein (p.Val1587Ala). The valine residue is moderately conserved and there is a small physicochemical difference between valine and alanine.